The following is an entry in ClinVar:

NM_018368.4(LMBRD1):c.1443C>A (p.Tyr481Ter)

Gene: LMBRD1 (LMBR1 domain containing 1; minus strand). Cytogenetic location: 6q13.
Variant type: single nucleotide variant.
Coding change: c.1443C>A on transcript NM_018368.4 (MANE Select); coding-DNA position 1443, C replaced by A.
Protein change: p.Tyr481Ter; replaces tyrosine 481 with a stop codon.
Molecular consequence: nonsense.
Genome position (GRCh38, 1-based): chr6:69,676,516, G>T on the plus strand (C>A on the coding strand, the complement: LMBRD1 is on the minus strand). VCF-style: chr6-69676516-G-T. GRCh37 (hg19) VCF-style: chr6-70386408-G-T.
Other names: c.1224C>A, p.Tyr408Ter (NM_001363722.2, NM_001367271.1, NM_001367272.1); short protein forms Y408*, Y481*.
Identifiers: ClinVar variation 2914710 (VCV002914710.3), dbSNP rs561314652, ClinGen allele CA364669973.

ClinVar aggregate classification (germline): Pathogenic (1 of 4 stars; one submission).

Conditions:
Methylmalonic aciduria and homocystinuria type cblF. Also called: COBALAMIN F DISEASE; COBALAMIN, DEFECT IN LYSOSOMAL RELEASE OF; METHYLMALONIC ACIDEMIA AND HOMOCYSTINURIA, cblF TYPE; METHYLMALONIC ACIDURIA DUE TO VITAMIN B12-RELEASE DEFECT; VITAMIN B12 LYSOSOMAL RELEASE DEFECT; VITAMIN B12 STORAGE DISEASE. Identifiers: Orphanet 79284, MedGen C1848578, MONDO:0010183, OMIM 277380.

Submission:

Labcorp Genetics (formerly Invitae), Labcorp
Classification: Pathogenic for Methylmalonic aciduria and homocystinuria type cblF. Last evaluated: 2023-07-03. Review status: criteria provided, single submitter. Criteria: Invitae Variant Classification Sherloc (09022015). Collection method: clinical testing. Allele origin: germline.
Comment: For these reasons, this variant has been classified as Pathogenic. This variant has not been reported in the literature in individuals affected with LMBRD1-related conditions. This variant is not present in population databases (gnomAD no frequency). This sequence change creates a premature translational stop signal (p.Tyr481*) in the LMBRD1 gene. It is expected to result in an absent or disrupted protein product. Loss-of-function variants in LMBRD1 are known to be pathogenic (PMID: 19136951, 21303734).

Literature cited by the submitters: PubMed 19136951; PubMed 21303734.